The following is an entry in ClinVar:

ClinVar aggregate classification (germline): Uncertain significance. Review status: criteria provided, multiple submitters, no conflicts (2 of 4 stars). 4 submissions from 4 submitters: Uncertain significance (4). Last evaluated 2026-10-26.

Conditions:
Ehlers-Danlos syndrome, classic type, 1 (EDSCL1). Also called: Ehlers-Danlos syndrome, type 1; EHLERS-DANLOS SYNDROME, GRAVIS TYPE; EHLERS-DANLOS SYNDROME, SEVERE CLASSIC TYPE; Ehlers-Danlos Syndrome, Classic Type, COL5A1-Related; EDS I. Identifiers: MedGen C0268335, MONDO:0019567, OMIM 130000.
Ehlers-Danlos syndrome (EDS). Identifiers: Orphanet 98249, MedGen C0013720, MONDO:0020066.
Familial thoracic aortic aneurysm and aortic dissection (TAAD). Also called: Thoracic aortic aneurysms and dissections. Identifiers: Orphanet 91387, MedGen C4707243, MONDO:0019625.

Allele frequency attached by ClinVar (database versions not stated): ExAC 0.00005; TOPMed 0.00010.
gnomAD v4.1: 96 of 1,550,608 alleles (0.0062%); highest among the groups gnomAD compares: Middle Eastern, 0.017%; no homozygotes.

Submissions (4):

GeneDx
Classification: Uncertain significance. Last evaluated: 2026-10-26. Review status: criteria provided, single submitter. Criteria: GeneDx Variant Classification Process June 2021. Collection method: clinical testing. Allele origin: germline.
Comment: In silico analysis supports that this missense variant has a deleterious effect on protein structure/function; Occurs in the triple helical domain at the Y position in the canonical Gly-X-Y repeat; although this variant may have an effect on normal protein folding and function, missense substitution at the Y position is not a common mechanism of disease (PMID: 22696272; HGMD); Has not been previously published as pathogenic or benign in association with a COL5A1-related disorder to our knowledge; This variant is associated with the following publications: (PMID: 22696272, 35982159, 35982160)

Labcorp Genetics (formerly Invitae), Labcorp
Classification: Uncertain significance for Ehlers-Danlos syndrome, classic type, 1. Last evaluated: 2026-01-21. Review status: criteria provided, single submitter. Criteria: Invitae Variant Classification Sherloc (09022015). Collection method: clinical testing. Allele origin: germline.
Comment: This sequence change replaces proline, which is neutral and non-polar, with leucine, which is neutral and non-polar, at codon 1302 of the COL5A1 protein (p.Pro1302Leu). This variant is present in population databases (rs201920777, gnomAD 0.02%). This missense change has been observed in individual(s) with clinical features of Ehlers-Danlos syndrome (internal data). ClinVar contains an entry for this variant (Variation ID: 212902). An algorithm developed to predict the effect of missense changes on protein structure and function outputs the following: PolyPhen-2: "Not Available". The leucine amino acid residue is found in multiple mammalian species, which suggests that this missense change does not adversely affect protein function. In summary, the available evidence is currently insufficient to determine the role of this variant in disease. Therefore, it has been classified as a Variant of Uncertain Significance.

Ambry Genetics
Classification: Uncertain significance for Familial thoracic aortic aneurysm and aortic dissection. Last evaluated: 2024-05-02. Review status: criteria provided, single submitter. Criteria: Ambry Variant Classification Scheme 2023. Collection method: clinical testing. Allele origin: germline.
Comment: The p.P1302L variant (also known as c.3905C>T), located in coding exon 49 of the COL5A1 gene, results from a C to T substitution at nucleotide position 3905. The proline at codon 1302 is replaced by leucine, an amino acid with similar properties. This alteration has been reported in an autism spectrum disease cohort (Zhou X et al. Nat Genet, 2022 Sep;54:1305-1319). This amino acid position is highly conserved in available vertebrate species. In addition, the in silico prediction for this alteration is inconclusive. Based on the available evidence, the clinical significance of this variant remains unclear.

Genome Diagnostics Laboratory, The Hospital for Sick Children
Classification: Uncertain significance for Ehlers-Danlos syndrome. Last evaluated: 2020-12-04. Review status: criteria provided, single submitter. Criteria: ACMG Guidelines, 2015. Collection method: clinical testing. Allele origin: germline.

Literature cited by the submitters: PubMed 35982159 (cited by Ambry Genetics).

NM_000093.5(COL5A1):c.3905C>T (p.Pro1302Leu)

Gene: COL5A1 (collagen type V alpha 1 chain; plus strand). Cytogenetic location: 9q34.3.
Variant type: single nucleotide variant.
Coding change: c.3905C>T on transcript NM_000093.5 (MANE Select); coding-DNA position 3905, C replaced by T.
Protein change: p.Pro1302Leu; replaces proline 1302 with leucine.
Molecular consequence: missense variant.
Genome position (GRCh38, 1-based): chr9:134,814,035, C>T. VCF-style: chr9-134814035-C-T. GRCh37 (hg19) VCF-style: chr9-137705881-C-T.
Other names: p.P1302L:CCG>CTG; c.3905C>T, p.Pro1302Leu (NM_001278074.1); short protein forms P1302L.
Identifiers: ClinVar variation 212902 (VCV000212902.19), dbSNP rs201920777, ClinGen allele CA321413.